The following is an entry in ClinVar:

ClinVar aggregate classification (germline): Uncertain significance (1 of 4 stars; one submission).

gnomAD v4.1: 3 of 1,596,918 alleles (0.00019%); highest among the groups gnomAD compares: African/African-American, 0.004%; no homozygotes.

Submission:

Ambry Genetics
Classification: Uncertain significance. Last evaluated: 2025-03-01. Review status: criteria provided, single submitter. Criteria: Ambry Variant Classification Scheme 2023. Collection method: clinical testing. Allele origin: germline.
Comment: The p.S2114G variant (also known as c.6340A>G), located in coding exon 27 of the WNK2 gene, results from an A to G substitution at nucleotide position 6340. The serine at codon 2114 is replaced by glycine, an amino acid with similar properties. This amino acid position is conserved. In addition, the in silico prediction for this alteration is inconclusive. Based on the available evidence, the clinical significance of this variant remains unclear.

NM_006648.4(WNK2):c.6340A>G (p.Ser2114Gly)

Gene: WNK2 (WNK lysine deficient protein kinase 2; plus strand). Cytogenetic location: 9q22.31.
Variant type: single nucleotide variant.
Coding change: c.6340A>G on transcript NM_006648.4 (MANE Select); coding-DNA position 6340, A replaced by G.
Protein change: p.Ser2114Gly; replaces serine 2114 with glycine.
Molecular consequence: missense variant.
Genome position (GRCh38, 1-based): chr9:93,308,408, A>G. VCF-style: chr9-93308408-A-G. GRCh37 (hg19) VCF-style: chr9-96070690-A-G.
Other names: c.6451A>G, p.Ser2151Gly (NM_001282394.3); short protein forms S2151G, S2114G.
Identifiers: ClinVar variation 3817188 (VCV003817188.1).